The following is an entry in ClinVar:

NM_017780.4(CHD7):c.1570C>T (p.His524Tyr)

Gene: CHD7 (chromodomain helicase DNA binding protein 7; plus strand). Cytogenetic location: 8q12.2.
Variant type: single nucleotide variant.
Coding change: c.1570C>T on transcript NM_017780.4 (MANE Select); coding-DNA position 1570, C replaced by T.
Protein change: p.His524Tyr; replaces histidine 524 with tyrosine.
Molecular consequence: missense variant.
Genome position (GRCh38, 1-based): chr8:60,743,002, C>T. VCF-style: chr8-60743002-C-T. GRCh37 (hg19) VCF-style: chr8-61655561-C-T.
Other names: c.1570C>T, p.His524Tyr (NM_001316690.1); c.1570C>T (NM_017780.3); short protein forms H524Y.
Identifiers: ClinVar variation 2198012 (VCV002198012.5), dbSNP rs762953167, ClinGen allele CA4759517.
Genomic context (GRCh38, chr8:60,743,002, plus strand): 5'-CAACAGCCATCTTTTCAGCAGTTGCCAACCTGTCCTCCACTGCAGCCTCACCCGGGCTTG[C>T]ACCACCAGTCTTCACCTCCACACCCTCATCACCAGCCTTGGGCACAGCTCCACCCATCAC-3'
Protein context (NP_060250.2, residues 514-534): CPPLQPHPGL[His524Tyr]HQSSPPHPHH

ClinVar aggregate classification (germline): Conflicting classifications of pathogenicity. Review status: criteria provided, conflicting classifications (1 of 4 stars). 2 submissions from 2 submitters: Uncertain significance (1); Benign (1). Last evaluated 2025-11-05.

Conditions:
Inborn genetic diseases. Identifiers: MedGen C0950123, MeSH D030342.
CHARGE syndrome (CHARGE). Also called: Hittner Hirsch Kreh syndrome; CHARGE ASSOCIATION--COLOBOMA, HEART ANOMALY, CHOANAL ATRESIA, RETARDATION, GENITAL AND EAR ANOMALIES; Coloboma, heart anomaly, choanal atresia, retardation, genital and ear anomalies; CHARGE association; Hall-Hittner syndrome. Identifiers: Orphanet 138, MedGen C0265354, MONDO:0008965.

Allele frequency attached by ClinVar (database versions not stated): gnomAD exomes below 0.00001; TOPMed below 0.00001; ExAC 0.00001.
gnomAD v4.1: 2 of 1,613,868 alleles (0.00012%); highest among the groups gnomAD compares: Non-Finnish European, 0.000085%; no homozygotes.

Submissions (2):

Ambry Genetics
Classification: Uncertain significance for Inborn genetic diseases. Last evaluated: 2025-11-05. Review status: criteria provided, single submitter. Criteria: Ambry Variant Classification Scheme 2023. Collection method: clinical testing. Allele origin: germline.
Comment: The c.1570C>T (p.H524Y) alteration is located in exon 2 (coding exon 1) of the CHD7 gene. This alteration results from a C to T substitution at nucleotide position 1570, causing the histidine (H) at amino acid position 524 to be replaced by a tyrosine (Y). Based on data from gnomAD, the T allele has an overall frequency of <0.001% (1/248738) total alleles studied. The highest observed frequency was 0.007% (1/15428) of African alleles. Based on insufficient or conflicting evidence, the clinical significance of this alteration remains unclear.

Labcorp Genetics (formerly Invitae), Labcorp
Classification: Benign for CHARGE syndrome. Last evaluated: 2024-12-09. Review status: criteria provided, single submitter. Criteria: Invitae Variant Classification Sherloc (09022015). Collection method: clinical testing. Allele origin: germline.